The following is an entry in ClinVar:

ClinVar aggregate classification (germline): Pathogenic. Review status: criteria provided, multiple submitters, no conflicts (2 of 4 stars). 3 submissions from 3 submitters: Pathogenic (3). Last evaluated 2018-04-16.

Conditions:
Familial thoracic aortic aneurysm and aortic dissection (TAAD). Also called: Thoracic aortic aneurysms and dissections. Identifiers: Orphanet 91387, MedGen C4707243, MONDO:0019625.
Marfan syndrome (MFS). Also called: FBN1-Related Marfan Syndrome; Marfan syndrome type 1; Marfan's syndrome; Marfan syndrome, classic; MARFAN SYNDROME, TYPE I. Identifiers: Orphanet 284963, Orphanet 558, MedGen C0024796, MONDO:0007947, OMIM 154700.
Marfan Syndrome/Loeys-Dietz Syndrome/Familial Thoracic Aortic Aneurysms and Dissections. Identifiers: MedGen CN229799.
Progeroid and marfanoid aspect-lipodystrophy syndrome. Also called: Marfan lipodystrophy syndrome; MARFANOID-PROGEROID SYNDROME; MARFAN-PROGEROID-LIPODYSTROPHY SYNDROME; MARFANOID-PROGEROID-LIPODYSTROPHY SYNDROME. Identifiers: Orphanet 300382, MedGen C4310796, MONDO:0014831, OMIM 616914.

Submissions (3):

Labcorp Genetics (formerly Invitae), Labcorp
Classification: Pathogenic for Marfan syndrome; Familial thoracic aortic aneurysm and aortic dissection. Last evaluated: 2018-04-16. Review status: criteria provided, single submitter. Criteria: Invitae Variant Classification Sherloc (09022015). Collection method: clinical testing. Allele origin: germline.
Comment: This sequence change creates a premature translational stop signal (p.Tyr337*) in the FBN1 gene. It is expected to result in an absent or disrupted protein product. This variant is not present in population databases (ExAC no frequency). This variant has been reported in an individual in the Universal Mutation Database affected with Marfan syndrome (PMID: 10612827). Loss-of-function variants in FBN1 are known to be pathogenic (PMID: 17657824, 19293843). For these reasons, this variant has been classified as Pathogenic. A different variant (c.1011C>A) giving rise to the same protein effect observed here (p.Tyr337*) has also been reported in an individual affected with Marfan syndrome (PMID: 19863550).

Women's Health and Genetics/Laboratory Corporation of America, LabCorp
Classification: Pathogenic for Marfan Syndrome/Loeys-Dietz Syndrome/Familial Thoracic Aortic Aneurysms and Dissections. Last evaluated: 2017-10-06. Review status: criteria provided, single submitter. Criteria: LabCorp Variant Classification Summary - May 2015. Collection method: clinical testing. Allele origin: germline.
Comment: Variant summary: The c.1010dupA (p.Tyr337*) variant in FBN1 gene is a frameshift change that leads to a premature termination at codon 337. This change is predicted to cause loss of normal protein function through protein truncation (loss of the ~7606 amino acids of fibrillin-1 protein (~89%)) or nonsense-mediated mRNA decay. The variant is absent from the large control population datasets of ExAC and gnomAD (121304 and 246054 chrs tested, respectively). The c.1010dupA has been reported in at least one affected individual presented with Classical MFS (UMD data). In addition, another alteration, c.1011C>A, leading to the same amino acid change, p.Tyr377*, has been reported in association with MFS based on the published reports and is cited as Pathogenic by reputable databases/clinical laboratories. Taking together, the variant was classified as Pathogenic.

Centre for Mendelian Genomics, University Medical Centre Ljubljana
Classification: Pathogenic for Progeroid and marfanoid aspect-lipodystrophy syndrome. Last evaluated: 2016-01-01. Review status: criteria provided, single submitter. Criteria: ACMG Guidelines, 2015. Collection method: clinical testing. Allele origin: unknown. Affected: yes.
Comment: This variant was classified as: Pathogenic. The following ACMG criteria were applied in classifying this variant: PVS1,PM2,PP3.

Literature cited by the submitters: PubMed 10612827 (cited by Labcorp Genetics (formerly Invitae), Labcorp); PubMed 17657824 (cited by Labcorp Genetics (formerly Invitae), Labcorp); PubMed 19293843 (cited by Labcorp Genetics (formerly Invitae), Labcorp); PubMed 19863550 (cited by Labcorp Genetics (formerly Invitae), Labcorp).

NM_000138.5(FBN1):c.1010dup (p.Tyr337Ter)

Genes: FBN1 (fibrillin 1; minus strand), LOC113939944 (Sharpr-MPRA regulatory region 9539; plus strand). Cytogenetic location: 15q21.1.
Variant type: Duplication.
Coding change: c.1010dup on transcript NM_000138.5 (MANE Select); coding-DNA position 1010, one base duplicated (A; older notation c.1010dupA).
Protein change: p.Tyr337Ter; replaces tyrosine 337 with a stop codon.
Molecular consequence: nonsense.
Genome position (GRCh38, 1-based): chr15:48,520,796, T duplicated on the plus strand (A on the coding strand, the reverse complement: FBN1 is on the minus strand). VCF-style (leftmost placement, unchanged base first): chr15-48520795-G-GT. GRCh37 (hg19) VCF-style: chr15-48812992-G-GT.
Other names: c.1010dupA (NM_000138.4); short protein forms Y337*.
Identifiers: ClinVar variation 572222 (VCV000572222.13), dbSNP rs1566918075, ClinGen allele CA891844031.